The following is an entry in ClinVar:

ClinVar aggregate classification (germline): Uncertain significance (1 of 4 stars; one submission).

Allele frequency attached by ClinVar (database versions not stated): ESP Exome Variant Server 0.00008.
gnomAD v4.1: 2 of 1,612,778 alleles (0.00012%); highest among the groups gnomAD compares: Non-Finnish European, 0.00017%; no homozygotes.

Submission:

GeneDx
Classification: Uncertain significance. Last evaluated: 2023-04-24. Review status: criteria provided, single submitter. Criteria: GeneDx Variant Classification Process June 2021. Collection method: clinical testing. Allele origin: germline. Affected: yes.
Comment: Not observed at significant frequency in large population cohorts (gnomAD); In silico analysis supports that this missense variant does not alter protein structure/function; Has not been previously published as pathogenic or benign to our knowledge

NM_001322934.2(NFKB2):c.1739C>G (p.Ala580Gly)

Gene: NFKB2 (nuclear factor kappa B subunit 2; plus strand). Cytogenetic location: 10q24.32.
Variant type: single nucleotide variant.
Coding change: c.1739C>G on transcript NM_001322934.2 (MANE Select); coding-DNA position 1739, C replaced by G.
Protein change: p.Ala580Gly; replaces alanine 580 with glycine.
Molecular consequence: missense variant.
Genome position (GRCh38, 1-based): chr10:102,400,432, C>G. VCF-style: chr10-102400432-C-G. GRCh37 (hg19) VCF-style: chr10-104160189-C-G.
Other names: c.1739C>G, p.Ala580Gly (NM_001077494.3, NM_001261403.3, NM_001288724.1 and 1 more transcripts); c.1613C>G, p.Ala538Gly (NM_001322935.1); short protein forms A538G, A580G.
Identifiers: ClinVar variation 3252868 (VCV003252868.1), dbSNP rs373398471.
Genomic context (GRCh38, chr10:102,400,432, plus strand): 5'-GAGACTCAGCCATGCATCTGGCGCTGCGGGCAGGCGCTGGTGCTCCTGAGCTGCTGCGTG[C>G]ACTGCTTCAGAGTGGAGCTCCTGCTGTGCCCCAGCTGTTGCATATGCCTGACTTTGAGGG-3'
Protein context (NP_001309863.1, residues 570-590): AGAGAPELLR[Ala580Gly]LLQSGAPAVP